The following is an entry in ClinVar:

ClinVar aggregate classification (germline): Uncertain significance. Review status: criteria provided, multiple submitters, no conflicts (2 of 4 stars). 2 submissions from 2 submitters: Uncertain significance (2). Last evaluated 2025-11-30.

Conditions:
Gorlin syndrome. Also called: Basal cell nevus syndrome; Nevoid Basal Cell Carcinoma Syndrome. Identifiers: Orphanet 377, MedGen C0004779, MONDO:0007187.
Hereditary cancer-predisposing syndrome. Also called: Hereditary Cancer Syndrome; Tumor predisposition; Neoplastic Syndromes, Hereditary; Hereditary neoplastic syndrome. Identifiers: Orphanet 140162, MedGen C0027672, MeSH D009386, MONDO:0015356.

Submissions (2):

Ambry Genetics
Classification: Uncertain significance for Hereditary cancer-predisposing syndrome. Last evaluated: 2025-11-30. Review status: criteria provided, single submitter. Criteria: Ambry Variant Classification Scheme 2023. Collection method: clinical testing. Allele origin: germline.
Comment: The p.Y224H variant (also known as c.670T>C), located in coding exon 5 of the PTCH1 gene, results from a T to C substitution at nucleotide position 670. The tyrosine at codon 224 is replaced by histidine, an amino acid with similar properties. This amino acid position is conserved. In addition, this alteration is predicted to be tolerated by in silico analysis. Based on the available evidence, the clinical significance of this variant remains unclear.

Labcorp Genetics (formerly Invitae), Labcorp
Classification: Uncertain significance for Gorlin syndrome. Last evaluated: 2022-02-22. Review status: criteria provided, single submitter. Criteria: Invitae Variant Classification Sherloc (09022015). Collection method: clinical testing. Allele origin: germline.
Comment: This variant is not present in population databases (gnomAD no frequency). This sequence change replaces tyrosine, which is neutral and polar, with histidine, which is basic and polar, at codon 224 of the PTCH1 protein (p.Tyr224His). This variant has not been reported in the literature in individuals affected with PTCH1-related conditions. In summary, the available evidence is currently insufficient to determine the role of this variant in disease. Therefore, it has been classified as a Variant of Uncertain Significance. Advanced modeling of protein sequence and biophysical properties (such as structural, functional, and spatial information, amino acid conservation, physicochemical variation, residue mobility, and thermodynamic stability) performed at Invitae indicates that this missense variant is not expected to disrupt PTCH1 protein function.

NM_000264.5(PTCH1):c.670T>C (p.Tyr224His)

Gene: PTCH1 (patched 1; minus strand). Cytogenetic location: 9q22.32.
Variant type: single nucleotide variant.
Coding change: c.670T>C on transcript NM_000264.5 (MANE Select); coding-DNA position 670, T replaced by C.
Protein change: p.Tyr224His; replaces tyrosine 224 with histidine.
Molecular consequence: missense variant. On other transcripts: non-coding transcript variant (1).
Genome position (GRCh38, 1-based): chr9:95,482,025, A>G on the plus strand (T>C on the coding strand, the complement: PTCH1 is on the minus strand). VCF-style: chr9-95482025-A-G. GRCh37 (hg19) VCF-style: chr9-98244307-A-G.
Other names: c.472T>C, p.Tyr158His (NM_001083602.3, NM_001354919.2); c.667T>C, p.Tyr223His (NM_001083603.3); c.217T>C, p.Tyr73His (NM_001083604.3, NM_001083605.3, NM_001083606.3 and 1 more transcripts); c.670T>C, p.Tyr224His (NM_001354918.2); short protein forms Y158H, Y224H, Y73H, Y223H.
Identifiers: ClinVar variation 2099237 (VCV002099237.5), dbSNP rs2118465958, ClinGen allele CA374114959.